The following is an entry in ClinVar:

ClinVar aggregate classification (germline): Uncertain significance (1 of 4 stars; one submission).

Conditions:
Short-rib thoracic dysplasia 8 with or without polydactyly (SRTD8). Also called: SHORT-RIB THORACIC DYSPLASIA 8 WITH POLYDACTYLY. Identifiers: Orphanet 93271, MedGen C3809691, MONDO:0014214, OMIM 615503.

Allele frequency attached by ClinVar (database versions not stated): TOPMed below 0.00001; gnomAD 0.00001; gnomAD exomes 0.00004.
gnomAD v4.1: 23 of 1,613,016 alleles (0.0014%); highest among the groups gnomAD compares: East Asian, 0.049%; no homozygotes.

Submission:

Labcorp Genetics (formerly Invitae), Labcorp
Classification: Uncertain significance for Short-rib thoracic dysplasia 8 with or without polydactyly. Last evaluated: 2022-07-15. Review status: criteria provided, single submitter. Criteria: Invitae Variant Classification Sherloc (09022015). Collection method: clinical testing. Allele origin: germline.
Comment: This sequence change replaces lysine, which is basic and polar, with glutamic acid, which is acidic and polar, at codon 582 of the WDR60 protein (p.Lys582Glu). This variant is not present in population databases (gnomAD no frequency). This variant has not been reported in the literature in individuals affected with WDR60-related conditions. Algorithms developed to predict the effect of missense changes on protein structure and function are either unavailable or do not agree on the potential impact of this missense change (SIFT: "Tolerated"; PolyPhen-2: "Possibly Damaging"; Align-GVGD: "Class C0"). In summary, the available evidence is currently insufficient to determine the role of this variant in disease. Therefore, it has been classified as a Variant of Uncertain Significance.

NM_018051.5(DYNC2I1):c.1744A>G (p.Lys582Glu)

Gene: DYNC2I1 (dynein 2 intermediate chain 1; plus strand). Cytogenetic location: 7q36.3.
Variant type: single nucleotide variant.
Coding change: c.1744A>G on transcript NM_018051.5 (MANE Select); coding-DNA position 1744, A replaced by G.
Protein change: p.Lys582Glu; replaces lysine 582 with glutamic acid.
Molecular consequence: missense variant.
Genome position (GRCh38, 1-based): chr7:158,914,274, A>G. VCF-style: chr7-158914274-A-G. GRCh37 (hg19) VCF-style: chr7-158706965-A-G.
Other names: c.1606A>G, p.Lys536Glu (NM_001350914.2); c.1171A>G, p.Lys391Glu (NM_001350915.2); c.283A>G, p.Lys95Glu (NM_001350916.2); c.496A>G, p.Lys166Glu (NM_001350917.2, NM_001350918.2); short protein forms K391E, K536E, K582E, K166E, K95E.
Identifiers: ClinVar variation 1954993 (VCV001954993.5), dbSNP rs1382996847, ClinGen allele CA370192211.